The following is an entry in ClinVar:

ClinVar aggregate classification (germline): Uncertain significance (1 of 4 stars; one submission).

Conditions:
Cardiovascular phenotype. Identifiers: MedGen CN230736.

Submission:

Ambry Genetics
Classification: Uncertain significance for Cardiovascular phenotype. Last evaluated: 2020-10-22. Review status: criteria provided, single submitter. Criteria: Ambry Variant Classification Scheme 2023. Collection method: clinical testing. Allele origin: germline.
Comment: The c.2083_2084delCT variant, located in coding exon 5 of the JPH2 gene, results from a deletion of two nucleotides at nucleotide positions 2083 to 2084, causing a translational frameshift with a predicted alternate stop codon (p.L695Dfs*16). This alteration occurs at the 3' terminus of theJPH2 gene, is not expected to trigger nonsense-mediated mRNAdecay and results in the elongation of the protein by thirteen amino acids. This frameshift impacts the last twoamino acids of the native protein. The exact functional effect of the altered amino acids is unknown. Since supporting evidence is limited at this time, the clinical significance of this alteration remains unclear.

NM_020433.5(JPH2):c.2083_2084del (p.Leu695fs)

Gene: JPH2 (junctophilin 2; minus strand). Cytogenetic location: 20q13.12.
Variant type: Deletion.
Coding change: c.2083_2084del on transcript NM_020433.5 (MANE Select); coding-DNA positions 2083 to 2084, 2 bases deleted (CT; older notation c.2083_2084delCT).
Protein change: p.Leu695fs; shifts the reading frame from leucine 695.
Molecular consequence: frameshift variant.
Genome position (GRCh38, 1-based): chr20:44,114,803-44,114,804, AG deleted on the plus strand (CT on the coding strand, the reverse complement: JPH2 is on the minus strand). VCF-style (leftmost placement, unchanged base first): chr20-44114802-CAG-C. GRCh37 (hg19) VCF-style: chr20-42743442-CAG-C.
Other names: short protein forms L695fs.
Identifiers: ClinVar variation 1785592 (VCV001785592.2), dbSNP rs2515716895, ClinGen allele CA2580098176.